The following is an entry in ClinVar:

ClinVar aggregate classification (germline): Pathogenic (3 of 4 stars; one submission).

Conditions:
Breast-ovarian cancer, familial, susceptibility to, 1 (BROVCA1). Also called: BRCA1 Hereditary Breast and Ovarian Cancer; OVARIAN CANCER, SUSCEPTIBILITY TO. Identifiers: Orphanet 145, MedGen C2676676, MONDO:0011450, OMIM 604370. Disease mechanism: loss of function.

Submission:

Evidence-based Network for the Interpretation of Germline Mutant Alleles (ENIGMA)
Classification: Pathogenic for Breast-ovarian cancer, familial, susceptibility to, 1. Last evaluated: 2017-12-15. Review status: reviewed by expert panel. Criteria: ENIGMA BRCA1/2 Classification Criteria (2017-06-29). Collection method: curation. Allele origin: germline. Study: ENIGMA.
Comment: Variant allele predicted to encode a truncated non-functional protein.

NM_007294.4(BRCA1):c.4823_4824insG (p.Glu1609fs)

Gene: BRCA1 (BRCA1 DNA repair associated; minus strand). Cytogenetic location: 17q21.31.
Variant type: Insertion.
Coding change: c.4823_4824insG on transcript NM_007294.4 (MANE Select); coding-DNA positions 4823 to 4824, G inserted.
Protein change: p.Glu1609fs; shifts the reading frame from glutamic acid 1609.
Molecular consequence: frameshift variant. On other transcripts: non-coding transcript variant (1).
Genome position: GRCh38 VCF-style: chr17-43071090-T-TC. GRCh37 (hg19) VCF-style: chr17-41223107-T-TC.
Other names: c.4700_4701insG, p.Glu1568Argfs (NM_001407938.1, NM_001407664.1, NM_001407665.1 and 6 more transcripts); c.4697_4698insG, p.Glu1567Argfs (NM_001407939.1, NM_001407940.1, NM_001407670.1 and 11 more transcripts); c.4694_4695insG, p.Glu1566Argfs (NM_001407941.1, NM_001407681.1, NM_001407682.1 and 6 more transcripts); c.4682_4683insG, p.Glu1562Argfs (NM_001407942.1, NM_001407692.1, NM_001407694.1 and 12 more transcripts); c.4679_4680insG, p.Glu1561Argfs (NM_001407943.1, NM_001407944.1, NM_001407945.1 and 21 more transcripts); c.4490_4491insG, p.Glu1498Argfs (NM_001407946.1, NM_001407947.1, NM_001407948.1 and 1 more transcripts); c.4487_4488insG, p.Glu1497Argfs (NM_001407950.1, NM_001407951.1, NM_001407952.1 and 3 more transcripts); c.4484_4485insG, p.Glu1496Argfs (NM_001407956.1, NM_001407957.1, NM_001407958.1); and 73 more; short protein forms E1562fs, E505fs, E1609fs, E1630fs.
Identifiers: ClinVar variation 548218 (VCV000548218.2), dbSNP rs1555580865, ClinGen allele CA658825006.